The following is an entry in ClinVar:

ClinVar aggregate classification (germline): Uncertain significance. Review status: criteria provided, multiple submitters, no conflicts (2 of 4 stars). 2 submissions from 2 submitters: Uncertain significance (2). Last evaluated 2026-11-23.

Conditions:
Leukoencephalopathy without lacunae, adult-onset. Identifiers: MedGen C6065932, MONDO:0980752, OMIM 621424.
Inborn genetic diseases. Identifiers: MedGen C0950123, MeSH D030342.

Allele frequency attached by ClinVar (database versions not stated): ExAC 0.00001; gnomAD exomes below 0.00001.

Submissions (2):

Clinical Genetics Laboratory, Skane University Hospital Lund
Classification: Uncertain significance for Leukoencephalopathy without lacunae, adult-onset. Last evaluated: 2026-11-23. Review status: criteria provided, single submitter. Criteria: ACMG Guidelines, 2015. Collection method: clinical testing. Allele origin: germline. Affected: yes. Observed: 1 variant allele.
Comment: ACMG-criteria used: PM2.

Ambry Genetics
Classification: Uncertain significance for Inborn genetic diseases. Last evaluated: 2021-03-07. Review status: criteria provided, single submitter. Criteria: Ambry Variant Classification Scheme 2023. Collection method: clinical testing. Allele origin: germline.

NM_002291.3(LAMB1):c.2668A>G (p.Thr890Ala)

Gene: LAMB1 (laminin subunit beta 1; minus strand). Cytogenetic location: 7q31.1.
Variant type: single nucleotide variant.
Coding change: c.2668A>G on transcript NM_002291.3 (MANE Select); coding-DNA position 2668, A replaced by G.
Protein change: p.Thr890Ala; replaces threonine 890 with alanine.
Molecular consequence: missense variant.
Genome position (GRCh38, 1-based): chr7:107,959,271, T>C on the plus strand (A>G on the coding strand, the complement: LAMB1 is on the minus strand). VCF-style: chr7-107959271-T-C. GRCh37 (hg19) VCF-style: chr7-107599716-T-C.
Other names: short protein forms T890A.
Identifiers: ClinVar variation 2230010 (VCV002230010.3), dbSNP rs755084924, ClinGen allele CA4435566.